The following is an entry in ClinVar:

ClinVar aggregate classification (germline): Uncertain significance (1 of 4 stars; one submission).

Submission:

Ambry Genetics
Classification: Uncertain significance. Last evaluated: 2023-12-08. Review status: criteria provided, single submitter. Criteria: Ambry Variant Classification Scheme 2023. Collection method: clinical testing. Allele origin: germline.
Comment: The p.L520H variant (also known as c.1559T>A), located in coding exon 9 of the GALNT12 gene, results from a T to A substitution at nucleotide position 1559. The leucine at codon 520 is replaced by histidine, an amino acid with similar properties. This amino acid position is conserved. In addition, this alteration is predicted to be tolerated by in silico analysis. Since supporting evidence is limited at this time, the clinical significance of this alteration remains unclear.

NM_024642.5(GALNT12):c.1559T>A (p.Leu520His)

Gene: GALNT12 (polypeptide N-acetylgalactosaminyltransferase 12; plus strand). Cytogenetic location: 9q22.33.
Variant type: single nucleotide variant.
Coding change: c.1559T>A on transcript NM_024642.5 (MANE Select); coding-DNA position 1559, T replaced by A.
Protein change: p.Leu520His; replaces leucine 520 with histidine.
Molecular consequence: missense variant.
Genome position (GRCh38, 1-based): chr9:98,846,077, T>A. VCF-style: chr9-98846077-T-A. GRCh37 (hg19) VCF-style: chr9-101608359-T-A.
Other names: short protein forms L520H.
Identifiers: ClinVar variation 3227929 (VCV003227929.1), dbSNP rs2490557821, ClinGen allele CA374221808.
Genomic context (GRCh38, chr9:98,846,077, plus strand): 5'-CCCACCAGCCTGAGGGCTGCATTGCTGTGGAAGCAGGAATGGATACCCTTATCATGCATC[T>A]CTGCGAAGAAACTGCCCCAGAGAATCAGAAGTTCATCTTGCAGGAGGTAGGTGAACTCTC-3'
Protein context (NP_078918.3, residues 510-530): EAGMDTLIMH[Leu520His]CEETAPENQK